The following is an entry in ClinVar:

NM_015346.4(ZFYVE26):c.2528G>A (p.Arg843His)

Gene: ZFYVE26 (zinc finger FYVE-type containing 26; minus strand). Cytogenetic location: 14q24.1.
Variant type: single nucleotide variant.
Coding change: c.2528G>A on transcript NM_015346.4 (MANE Select); coding-DNA position 2528, G replaced by A.
Protein change: p.Arg843His; replaces arginine 843 with histidine.
Molecular consequence: missense variant.
Genome position (GRCh38, 1-based): chr14:67,793,633, C>T on the plus strand (G>A on the coding strand, the complement: ZFYVE26 is on the minus strand). VCF-style: chr14-67793633-C-T. GRCh37 (hg19) VCF-style: chr14-68260350-C-T.
Other names: short protein forms R843H.
Identifiers: ClinVar variation 2174211 (VCV002174211.1), dbSNP rs141304971, ClinGen allele CA7240253.

ClinVar aggregate classification (germline): Uncertain significance (1 of 4 stars; one submission).

Conditions:
Spastic paraplegia. Identifiers: MedGen C0037772, HP:0001258.

Allele frequency attached by ClinVar (database versions not stated): TOPMed 0.00003; gnomAD 0.00004; ExAC 0.00008; ESP Exome Variant Server 0.00023.
gnomAD v4.1: 74 of 1,613,520 alleles (0.0046%); highest among the groups gnomAD compares: South Asian, 0.0077%; no homozygotes.

Submission:

Labcorp Genetics (formerly Invitae), Labcorp
Classification: Uncertain significance for Spastic paraplegia. Last evaluated: 2022-06-10. Review status: criteria provided, single submitter. Criteria: Invitae Variant Classification Sherloc (09022015). Collection method: clinical testing. Allele origin: germline.
Comment: This sequence change replaces arginine, which is basic and polar, with histidine, which is basic and polar, at codon 843 of the ZFYVE26 protein (p.Arg843His). This variant is present in population databases (rs141304971, gnomAD 0.03%). This variant has not been reported in the literature in individuals affected with ZFYVE26-related conditions. Algorithms developed to predict the effect of missense changes on protein structure and function are either unavailable or do not agree on the potential impact of this missense change (SIFT: "Tolerated"; PolyPhen-2: "Probably Damaging"; Align-GVGD: "Class C0"). In summary, the available evidence is currently insufficient to determine the role of this variant in disease. Therefore, it has been classified as a Variant of Uncertain Significance.